The following is an entry in ClinVar:

ClinVar aggregate classification (germline): Likely pathogenic. Review status: criteria provided, multiple submitters, no conflicts (2 of 4 stars). 2 submissions from 2 submitters: Likely pathogenic (2). Last evaluated 2026-01-05.

Conditions:
Dihydropyrimidine dehydrogenase deficiency (DPYDD). Also called: DPD DEFICIENCY; DPYD DEFICIENCY; Hereditary Thymine-Uraciluria. Identifiers: Orphanet 1675, MedGen C1959620, MONDO:0010130, OMIM 274270.

gnomAD v4.1: 1 of 1,613,004 alleles (0.000062%); highest among the groups gnomAD compares: Middle Eastern, 0.016%; no homozygotes.

Submissions (2):

First Genomix Gene Laboratory, Genetic Diagnostics Department
Classification: Likely pathogenic for Dihydropyrimidine dehydrogenase deficiency. Last evaluated: 2026-01-05. Review status: criteria provided, single submitter. Criteria: ACMG Guidelines, 2015. Collection method: clinical testing. Allele origin: germline. Inheritance: Autosomal recessive inheritance. Affected: no. Observed: 1 variant allele.

Baylor Genetics
Classification: Likely pathogenic for Dihydropyrimidine dehydrogenase deficiency. Last evaluated: 2024-02-19. Review status: criteria provided, single submitter. Criteria: ACMG Guidelines, 2015. Collection method: clinical testing. Allele origin: unknown.

NM_000110.4(DPYD):c.680+1G>T

Gene: DPYD (dihydropyrimidine dehydrogenase; minus strand). Cytogenetic location: 1p21.3.
Variant type: single nucleotide variant.
Coding change: c.680+1G>T on transcript NM_000110.4 (MANE Select); the canonical splice donor site of the intron after coding-DNA position 680, G replaced by T.
Molecular consequence: splice donor variant.
Genome position (GRCh38, 1-based): chr1:97,699,350, C>A on the plus strand (G>T on the coding strand, the complement: DPYD is on the minus strand). VCF-style: chr1-97699350-C-A. GRCh37 (hg19) VCF-style: chr1-98164906-C-A.
Identifiers: ClinVar variation 2674940 (VCV002674940.3), dbSNP rs867460475, ClinGen allele CA27630011.